The following is an entry in ClinVar:

ClinVar aggregate classification (germline): Uncertain significance (1 of 4 stars; one submission).

Allele frequency attached by ClinVar (database versions not stated): TOPMed below 0.00001.

Submission:

Labcorp Genetics (formerly Invitae), Labcorp
Classification: Uncertain significance. Last evaluated: 2023-05-15. Review status: criteria provided, single submitter. Criteria: Invitae Variant Classification Sherloc (09022015). Collection method: clinical testing. Allele origin: germline.
Comment: This sequence change replaces serine, which is neutral and polar, with arginine, which is basic and polar, at codon 176 of the IFT81 protein (p.Ser176Arg). This variant is not present in population databases (gnomAD no frequency). This variant has not been reported in the literature in individuals affected with IFT81-related conditions. ClinVar contains an entry for this variant (Variation ID: 2075300). Advanced modeling of protein sequence and biophysical properties (such as structural, functional, and spatial information, amino acid conservation, physicochemical variation, residue mobility, and thermodynamic stability) performed at Invitae indicates that this missense variant is not expected to disrupt IFT81 protein function. In summary, the available evidence is currently insufficient to determine the role of this variant in disease. Therefore, it has been classified as a Variant of Uncertain Significance.

NM_014055.4(IFT81):c.526A>C (p.Ser176Arg)

Gene: IFT81 (intraflagellar transport 81; plus strand). Cytogenetic location: 12q24.11.
Variant type: single nucleotide variant.
Coding change: c.526A>C on transcript NM_014055.4 (MANE Select); coding-DNA position 526, A replaced by C.
Protein change: p.Ser176Arg; replaces serine 176 with arginine.
Molecular consequence: missense variant. On other transcripts: 5 prime UTR variant (2), non-coding transcript variant (4).
Genome position (GRCh38, 1-based): chr12:110,134,954, A>C. VCF-style: chr12-110134954-A-C. GRCh37 (hg19) VCF-style: chr12-110572759-A-C.
Other names: c.526A>C, p.Ser176Arg (NM_001143779.2, NM_001347946.2, NM_031473.4); c.-241A>C (NM_001347947.2, NM_001347948.2); short protein forms S176R.
Identifiers: ClinVar variation 2075300 (VCV002075300.4), dbSNP rs1161834341, ClinGen allele CA386909664.